The following is an entry in ClinVar:

NM_000428.3(LTBP2):c.3833_3840dup (p.Gly1281fs)

Gene: LTBP2 (latent transforming growth factor beta binding protein 2; minus strand). Cytogenetic location: 14q24.3.
Variant type: Duplication.
Coding change: c.3833_3840dup on transcript NM_000428.3 (MANE Select); coding-DNA positions 3833 to 3840, 8 bases duplicated (ACAGCCCT; older notation c.3833_3840dupACAGCCCT).
Protein change: p.Gly1281fs; shifts the reading frame from glycine 1281.
Molecular consequence: frameshift variant.
Genome position (GRCh38, 1-based): chr14:74,507,246-74,507,253, AGGGCTGT duplicated on the plus strand (ACAGCCCT on the coding strand, the reverse complement: LTBP2 is on the minus strand). VCF-style (leftmost placement, unchanged base first): chr14-74507245-C-CAGGGCTGT. GRCh37 (hg19) VCF-style: chr14-74973948-C-CAGGGCTGT.
Other names: short protein forms G1281fs.
Identifiers: ClinVar variation 1994635 (VCV001994635.4), dbSNP rs2506134863, ClinGen allele CA2580088728.

ClinVar aggregate classification (germline): Pathogenic (1 of 4 stars; one submission).

Submission:

Labcorp Genetics (formerly Invitae), Labcorp
Classification: Pathogenic. Last evaluated: 2022-05-22. Review status: criteria provided, single submitter. Criteria: Invitae Variant Classification Sherloc (09022015). Collection method: clinical testing. Allele origin: germline.
Comment: For these reasons, this variant has been classified as Pathogenic. This variant has not been reported in the literature in individuals affected with LTBP2-related conditions. This variant is not present in population databases (gnomAD no frequency). This sequence change creates a premature translational stop signal (p.Gly1281Thrfs*27) in the LTBP2 gene. It is expected to result in an absent or disrupted protein product. Loss-of-function variants in LTBP2 are known to be pathogenic (PMID: 19361779, 22025892).

Literature cited by the submitters: PubMed 19361779; PubMed 22025892.